The following is an entry in ClinVar:

ClinVar aggregate classification (germline): Uncertain significance (1 of 4 stars; one submission).

Conditions:
Xeroderma pigmentosum, group F (XPF). Also called: XERODERMA PIGMENTOSUM, COMPLEMENTATION GROUP F; XERODERMA PIGMENTOSUM VI; XP, GROUP F; ERCC4-Related Xeroderma Pigmentosum; XERODERMA PIGMENTOSUM, TYPE F; Xeroderma pigmentosum, type 6. Identifiers: MedGen C0268140, MONDO:0010215, OMIM 278760.
Fanconi anemia complementation group Q. Identifiers: Orphanet 84, MedGen C3808988, MONDO:0014108, OMIM 615272.
Cockayne syndrome. Identifiers: Orphanet 191, MedGen C0009207, MONDO:0016006.

Allele frequency attached by ClinVar (database versions not stated): ExAC 0.00001; gnomAD exomes 0.00001.
gnomAD v4.1: 8 of 1,614,140 alleles (0.0005%); highest among the groups gnomAD compares: South Asian, 0.0088%; no homozygotes.

Submission:

Labcorp Genetics (formerly Invitae), Labcorp
Classification: Uncertain significance for Fanconi anemia complementation group Q; Xeroderma pigmentosum, group F; Cockayne syndrome. Last evaluated: 2025-10-15. Review status: criteria provided, single submitter. Criteria: Invitae Variant Classification Sherloc (09022015). Collection method: clinical testing. Allele origin: germline.
Comment: This sequence change replaces lysine, which is basic and polar, with arginine, which is basic and polar, at codon 455 of the ERCC4 protein (p.Lys455Arg). This variant is present in population databases (rs759312308, gnomAD 0.007%). This variant has not been reported in the literature in individuals affected with ERCC4-related conditions. ClinVar contains an entry for this variant (Variation ID: 955014). Invitae Evidence Modeling of protein sequence and biophysical properties (such as structural, functional, and spatial information, amino acid conservation, physicochemical variation, residue mobility, and thermodynamic stability) indicates that this missense variant is not expected to disrupt ERCC4 protein function with a negative predictive value of 80%. In summary, the available evidence is currently insufficient to determine the role of this variant in disease. Therefore, it has been classified as a Variant of Uncertain Significance.

NM_005236.3(ERCC4):c.1364A>G (p.Lys455Arg)

Gene: ERCC4 (ERCC excision repair 4, endonuclease catalytic subunit; plus strand). Cytogenetic location: 16p13.12.
Variant type: single nucleotide variant.
Coding change: c.1364A>G on transcript NM_005236.3 (MANE Select); coding-DNA position 1364, A replaced by G.
Protein change: p.Lys455Arg; replaces lysine 455 with arginine.
Molecular consequence: missense variant.
Genome position (GRCh38, 1-based): chr16:13,935,296, A>G. VCF-style: chr16-13935296-A-G. GRCh37 (hg19) VCF-style: chr16-14029153-A-G.
Other names: short protein forms K455R.
Identifiers: ClinVar variation 955014 (VCV000955014.9), dbSNP rs759312308, ClinGen allele CA7910447.